The following is an entry in ClinVar:

NM_001134363.3(RBM20):c.155C>T (p.Pro52Leu)

Gene: RBM20 (RNA binding motif protein 20; plus strand). Cytogenetic location: 10q25.2.
Variant type: single nucleotide variant.
Coding change: c.155C>T on transcript NM_001134363.3 (MANE Select); coding-DNA position 155, C replaced by T.
Protein change: p.Pro52Leu; replaces proline 52 with leucine.
Molecular consequence: missense variant.
Genome position (GRCh38, 1-based): chr10:110,644,609, C>T. VCF-style: chr10-110644609-C-T. GRCh37 (hg19) VCF-style: chr10-112404367-C-T.
Other names: short protein forms P52L.
Identifiers: ClinVar variation 2913249 (VCV002913249.3), dbSNP rs1861841668, ClinGen allele CA378527892.

ClinVar aggregate classification (germline): Uncertain significance (1 of 4 stars; one submission).

Conditions:
Dilated cardiomyopathy 1DD (CMD1DD). Identifiers: Orphanet 154, MedGen C2750995, MONDO:0013168, OMIM 613172.

Allele frequency attached by ClinVar (database versions not stated): gnomAD exomes below 0.00001.
gnomAD v4.1: 2 of 1,520,266 alleles (0.00013%); highest among the groups gnomAD compares: Non-Finnish European, 0.00018%; no homozygotes.

Submission:

Labcorp Genetics (formerly Invitae), Labcorp
Classification: Uncertain significance for Dilated cardiomyopathy 1DD. Last evaluated: 2023-05-25. Review status: criteria provided, single submitter. Criteria: Invitae Variant Classification Sherloc (09022015). Collection method: clinical testing. Allele origin: germline.
Comment: This variant has not been reported in the literature in individuals affected with RBM20-related conditions. Advanced modeling of protein sequence and biophysical properties (such as structural, functional, and spatial information, amino acid conservation, physicochemical variation, residue mobility, and thermodynamic stability) performed at Invitae indicates that this missense variant is not expected to disrupt RBM20 protein function. In summary, the available evidence is currently insufficient to determine the role of this variant in disease. Therefore, it has been classified as a Variant of Uncertain Significance. This variant is not present in population databases (gnomAD no frequency). This sequence change replaces proline, which is neutral and non-polar, with leucine, which is neutral and non-polar, at codon 52 of the RBM20 protein (p.Pro52Leu).